The following is an entry in ClinVar:

NM_000531.6(OTC):c.298G>T (p.Gly100Cys)

Gene: OTC (ornithine transcarbamylase; plus strand). Cytogenetic location: Xp11.4.
Variant type: single nucleotide variant.
Coding change: c.298G>T on transcript NM_000531.6 (MANE Select); coding-DNA position 298, G replaced by T.
Protein change: p.Gly100Cys; replaces glycine 100 with cysteine.
Molecular consequence: missense variant.
Genome position (GRCh38, 1-based): chrX:38,369,877, G>T. VCF-style: chrX-38369877-G-T. GRCh37 (hg19) VCF-style: chrX-38229130-G-T.
Other names: short protein forms G100C.
Identifiers: ClinVar variation 870323 (VCV000870323.2), dbSNP rs2068315546, ClinGen allele CA412717045.
Genomic context (GRCh38, chrX:38,369,877, plus strand): 5'-AAGTCCTTAGGCATGATTTTTGAGAAAAGAAGTACTCGAACAAGATTGTCTACAGAAACA[G>T]GTAAGTCCACTGCCAAATTCACACTTGTGTTGAAGAGAGGGATTGAAGGTGAAGACTTTG-3'
Protein context (NP_000522.3, residues 90-110): STRTRLSTET[Gly100Cys]FALLGGHPCF

ClinVar aggregate classification (germline): Pathogenic (0 of 4 stars; one submission).

Conditions:
Ornithine carbamoyltransferase deficiency (OTCD). Also called: OTC DEFICIENCY; Ornithine Carbamoyltransferase Deficiency Disease; ORNITHINE TRANSCARBAMYLASE DEFICIENCY; ORNITHINE TRANSCARBAMYLASE DEFICIENCY, HYPERAMMONEMIA DUE TO. Identifiers: Orphanet 664, MedGen C0268542, MONDO:0010703, OMIM 311250.

Submission:

Molecular Genetics laboratory, Necker Hospital
Classification: Pathogenic for Ornithine carbamoyltransferase deficiency. Review status: no assertion criteria provided. Collection method: clinical testing. Allele origin: maternal. Inheritance: X-linked inheritance. Affected: yes.